The following is an entry in ClinVar:

NM_001267550.2(TTN):c.69655dup (p.Arg23219fs)

Genes: TTN (titin; minus strand), TTN-AS1 (TTN antisense RNA 1; plus strand), LOC126806422 (BRD4-independent group 4 enhancer GRCh37_chr2:179440205-179441404; plus strand). Cytogenetic location: 2q31.2.
Variant type: Duplication.
Coding change: c.69655dup on transcript NM_001267550.2 (MANE Select); coding-DNA position 69655, one base duplicated (A; older notation c.69655dupA).
Protein change: p.Arg23219fs; shifts the reading frame from arginine 23219.
Molecular consequence: frameshift variant.
Genome position (GRCh38, 1-based): chr2:178,576,589, T duplicated on the plus strand (A on the coding strand, the reverse complement: TTN is on the minus strand). VCF-style (leftmost placement, unchanged base first): chr2-178576588-C-CT. GRCh37 (hg19) VCF-style: chr2-179441315-C-CT.
Other names: c.64732dup, p.Arg21578fs (NM_001256850.1); c.42460dup, p.Arg14154fs (NM_003319.4); c.61951dup, p.Arg20651fs (NM_133378.4); c.42835dup, p.Arg14279fs (NM_133432.3); c.43036dup, p.Arg14346fs (NM_133437.4); c.64732dupA (NM_001256850.1); short protein forms R23219fs, R14154fs, R14279fs, R21578fs, R14346fs, R20651fs.
Identifiers: ClinVar variation 202461 (VCV000202461.1), dbSNP rs794729334, ClinGen allele CA309423.

ClinVar aggregate classification (germline): Pathogenic (1 of 4 stars; one submission).

Submission:

GeneDx
Classification: Pathogenic. Last evaluated: 2013-04-02. Review status: criteria provided, single submitter. Criteria: GeneDx Variant Classification (06012015). Collection method: clinical testing. Allele origin: germline. Affected: yes.
Comment: c.64732dupA: p.Arg21578LysfsX9 (R21578KfsX9) in exon 275 of the TTN gene (NM_001256850.1). The normal sequence with the base that is duplicated in braces is: AAAC{A}GAGC. The c.64732dupA mutation in the TTN gene has not been reported previously as a disease-causing mutation or as a benign polymorphism to our knowledge. c.64732dupA causes a shift in reading frame starting at codon Arginine 21578, changing it to a Lysine, and creating a premature stop codon at position 9 of the new reading frame, denoted p.Arg21578LysfsX9. This mutation is expected to result in either an abnormal, truncated protein product or loss of protein from this allele through nonsense-mediated mRNA decay. Other truncating TTN variants have been reported in approximately 3% of control alleles (Herman D et al., 2012). However, c.64732dupA is located in the A-band region of titin, where the majority of truncating mutations associated with DCM have been reported (Herman D et al., 2012). In summary, c.64732dupA in the TTN gene is interpreted as a disease-causing mutation. The variant is found in DCM panel(s).